The following is an entry in ClinVar:

ClinVar aggregate classification (germline): Uncertain significance. Review status: criteria provided, multiple submitters, no conflicts (2 of 4 stars). 3 submissions from 3 submitters: Uncertain significance (3). Last evaluated 2025-11-25.

Conditions:
Hereditary cancer-predisposing syndrome. Also called: Hereditary Cancer Syndrome; Neoplastic Syndromes, Hereditary; Tumor predisposition; Hereditary neoplastic syndrome. Identifiers: Orphanet 140162, MedGen C0027672, MeSH D009386, MONDO:0015356.
Parathyroid carcinoma (PRTC). Also called: CDC73-Related Parathyroid Carcinoma; Parathyroid gland carcinoma. Identifiers: Orphanet 143, MedGen C0687150, MONDO:0012004, OMIM 608266, HP:0006780.
Hyperparathyroidism 1 (HRPT1). Also called: HYPERPARATHYROIDISM, FAMILIAL ISOLATED PRIMARY. Identifiers: Orphanet 99879, MedGen C1840402, MONDO:0007767, OMIM 145000.

Allele frequency attached by ClinVar (database versions not stated): gnomAD exomes below 0.00001.
gnomAD v4.1: 2 of 1,614,062 alleles (0.00012%); highest among the groups gnomAD compares: Non-Finnish European, 0.00017%; no homozygotes.

Submissions (3):

Ambry Genetics
Classification: Uncertain significance for Hereditary cancer-predisposing syndrome. Last evaluated: 2025-11-25. Review status: criteria provided, single submitter. Criteria: Ambry Variant Classification Scheme 2023. Collection method: clinical testing. Allele origin: germline.
Comment: The p.K16R variant (also known as c.47A>G), located in coding exon 1 of the CDC73 gene, results from an A to G substitution at nucleotide position 47. The lysine at codon 16 is replaced by arginine, an amino acid with highly similar properties. This amino acid position is conserved. In addition, the in silico prediction for this alteration is inconclusive. Since supporting evidence is limited at this time, the clinical significance of this alteration remains unclear.

Baylor Genetics
Classification: Uncertain significance for Hyperparathyroidism 1. Last evaluated: 2023-09-08. Review status: criteria provided, single submitter. Criteria: ACMG Guidelines, 2015. Collection method: clinical testing. Allele origin: unknown.

Labcorp Genetics (formerly Invitae), Labcorp
Classification: Uncertain significance for Parathyroid carcinoma. Last evaluated: 2023-03-16. Review status: criteria provided, single submitter. Criteria: Invitae Variant Classification Sherloc (09022015). Collection method: clinical testing. Allele origin: germline.
Comment: In summary, the available evidence is currently insufficient to determine the role of this variant in disease. Therefore, it has been classified as a Variant of Uncertain Significance. Advanced modeling of protein sequence and biophysical properties (such as structural, functional, and spatial information, amino acid conservation, physicochemical variation, residue mobility, and thermodynamic stability) performed at Invitae indicates that this missense variant is not expected to disrupt CDC73 protein function. ClinVar contains an entry for this variant (Variation ID: 1743172). This variant has not been reported in the literature in individuals affected with CDC73-related conditions. This variant is not present in population databases (gnomAD no frequency). This sequence change replaces lysine, which is basic and polar, with arginine, which is basic and polar, at codon 16 of the CDC73 protein (p.Lys16Arg).

NM_024529.5(CDC73):c.47A>G (p.Lys16Arg)

Gene: CDC73 (cell division cycle 73; plus strand). Cytogenetic location: 1q31.2.
Variant type: single nucleotide variant.
Coding change: c.47A>G on transcript NM_024529.5 (MANE Select); coding-DNA position 47, A replaced by G.
Protein change: p.Lys16Arg; replaces lysine 16 with arginine.
Molecular consequence: missense variant.
Genome position (GRCh38, 1-based): chr1:193,122,247, A>G. VCF-style: chr1-193122247-A-G. GRCh37 (hg19) VCF-style: chr1-193091377-A-G.
Other names: short protein forms K16R.
Identifiers: ClinVar variation 1743172 (VCV001743172.7), dbSNP rs2527280969, ClinGen allele CA343972824.